The following is an entry in ClinVar:

ClinVar aggregate classification (germline): Uncertain significance (1 of 4 stars; one submission).

Conditions:
Malignant hyperthermia, susceptibility to, 5 (MHS5). Also called: CACNA1S-Related Malignant Hyperthermia Susceptibility. Identifiers: Orphanet 423, MedGen C1866077, MONDO:0011163, OMIM 601887.

Allele frequency attached by ClinVar (database versions not stated): gnomAD exomes 0.00001.
gnomAD v4.1: 20 of 1,614,222 alleles (0.0012%); highest among the groups gnomAD compares: East Asian, 0.0022%; no homozygotes.

Submission:

All of Us Research Program, National Institutes of Health
Classification: Uncertain significance for Malignant hyperthermia, susceptibility to, 5. Last evaluated: 2023-08-15. Review status: criteria provided, single submitter. Criteria: ACMG Guidelines, 2015. Collection method: clinical testing. Allele origin: germline. Inheritance: Autosomal dominant inheritance. Observed: 1 variant allele, 1 heterozygote.
Comment: This study involves interpretation of variants in research participants for the purpose of population health screening. Participant phenotype was not available at the time of variant classification. Additional details can be found in publication PMID: 35346344, PMCID: PMC8962531

NM_000069.3(CACNA1S):c.2116G>A (p.Glu706Lys)

Gene: CACNA1S (calcium voltage-gated channel subunit alpha1 S; minus strand). Cytogenetic location: 1q32.1.
Variant type: single nucleotide variant.
Coding change: c.2116G>A on transcript NM_000069.3 (MANE Select); coding-DNA position 2116, G replaced by A.
Protein change: p.Glu706Lys; replaces glutamic acid 706 with lysine.
Molecular consequence: missense variant.
Genome position (GRCh38, 1-based): chr1:201,073,590, C>T on the plus strand (G>A on the coding strand, the complement: CACNA1S is on the minus strand). VCF-style: chr1-201073590-C-T. GRCh37 (hg19) VCF-style: chr1-201042718-C-T.
Other names: short protein forms E706K.
Identifiers: ClinVar variation 3072522 (VCV003072522.1), dbSNP rs1553251191, ClinGen allele CA344113414.
Genomic context (GRCh38, chr1:201,073,590, plus strand): 5'-CCCCACCTGAGGTGCTCACCTTGGCAGTGGTGGGGATGCCCTCACCCTTGGGTTTCTGCT[C>T]CAGCTTCTTGGCCATCGTTGACTTCTCCTCTTCTGACTTGTCTGGGAGACCCCTGAGTTA-3'
Protein context (NP_000060.2, residues 696-716): EEKSTMAKKL[Glu706Lys]QKPKGEGIPT